The following is an entry in ClinVar:

NM_024537.4(CARS2):c.1063T>C (p.Tyr355His)

Gene: CARS2 (cysteinyl-tRNA synthetase 2, mitochondrial; minus strand). Cytogenetic location: 13q34.
Variant type: single nucleotide variant.
Coding change: c.1063T>C on transcript NM_024537.4 (MANE Select); coding-DNA position 1063, T replaced by C.
Protein change: p.Tyr355His; replaces tyrosine 355 with histidine.
Molecular consequence: missense variant. On other transcripts: non-coding transcript variant (2).
Genome position (GRCh38, 1-based): chr13:110,647,231, A>G on the plus strand (T>C on the coding strand, the complement: CARS2 is on the minus strand). VCF-style: chr13-110647231-A-G. GRCh37 (hg19) VCF-style: chr13-111299578-A-G.
Other names: c.277T>C, p.Tyr93His (NM_001352252.2); short protein forms Y355H, Y93H.
Identifiers: ClinVar variation 4769775 (VCV004769775.1).

ClinVar aggregate classification (germline): Uncertain significance (1 of 4 stars; one submission).

Conditions:
Combined oxidative phosphorylation defect type 27. Also called: Combined oxidative phosphorylation deficiency 27. Identifiers: Orphanet 477774, MedGen C5567608, MONDO:0014728, OMIM 616672.

Submission:

Labcorp Genetics (formerly Invitae), Labcorp
Classification: Uncertain significance for Combined oxidative phosphorylation defect type 27. Last evaluated: 2025-08-17. Review status: criteria provided, single submitter. Criteria: Invitae Variant Classification Sherloc (09022015). Collection method: clinical testing. Allele origin: germline.
Comment: This sequence change replaces tyrosine, which is neutral and polar, with histidine, which is basic and polar, at codon 355 of the CARS2 protein (p.Tyr355His). This variant is not present in population databases (gnomAD no frequency). This variant has not been reported in the literature in individuals affected with CARS2-related conditions. Invitae Evidence Modeling of protein sequence and biophysical properties (such as structural, functional, and spatial information, amino acid conservation, physicochemical variation, residue mobility, and thermodynamic stability) indicates that this missense variant is expected to disrupt CARS2 protein function with a positive predictive value of 80%. In summary, the available evidence is currently insufficient to determine the role of this variant in disease. Therefore, it has been classified as a Variant of Uncertain Significance.